The following is an entry in ClinVar:

NM_017757.3(ZNF407):c.6451C>A (p.Leu2151Met)

Gene: ZNF407 (zinc finger protein 407; plus strand). Cytogenetic location: 18q22.3.
Variant type: single nucleotide variant.
Coding change: c.6451C>A on transcript NM_017757.3 (MANE Select); coding-DNA position 6451, C replaced by A.
Protein change: p.Leu2151Met; replaces leucine 2151 with methionine.
Molecular consequence: missense variant.
Genome position (GRCh38, 1-based): chr18:75,064,172, C>A. VCF-style: chr18-75064172-C-A. GRCh37 (hg19) VCF-style: chr18-72776128-C-A.
Other names: c.6451C>A, p.Leu2151Met (NM_001384475.1); c.6451C>A (NM_017757.2); short protein forms L2151M.
Identifiers: ClinVar variation 1476773 (VCV001476773.8), dbSNP rs759772970, ClinGen allele CA9001384.
Genomic context (GRCh38, chr18:75,064,172, plus strand): 5'-GAGCACATGGATCTGGTGGAGTCCGACGGGGAGATCTCGCAGATCATCGTGACGGAGGAG[C>A]TGGTCCAGGCCATGGTGCAGGAGTCCAGTGGCGGCTTCTCCGAGGGCACCACGCACTACA-3'
Protein context (NP_060227.2, residues 2141-2161): EISQIIVTEE[Leu2151Met]VQAMVQESSG

ClinVar aggregate classification (germline): Uncertain significance. Review status: criteria provided, multiple submitters, no conflicts (2 of 4 stars). 2 submissions from 2 submitters: Uncertain significance (2). Last evaluated 2026-03-27.

Allele frequency attached by ClinVar (database versions not stated): TOPMed 0.00006; ExAC 0.00013; gnomAD 0.00006; gnomAD exomes 0.00007 and 0.00022.
gnomAD v4.1: 312 of 1,604,140 alleles (0.019%); highest among the groups gnomAD compares: Non-Finnish European, 0.026%; no homozygotes.

Submissions (2):

Ambry Genetics
Classification: Uncertain significance. Last evaluated: 2026-03-27. Review status: criteria provided, single submitter. Criteria: Ambry Variant Classification Scheme 2023. Collection method: clinical testing. Allele origin: germline.

Labcorp Genetics (formerly Invitae), Labcorp
Classification: Uncertain significance. Last evaluated: 2022-05-15. Review status: criteria provided, single submitter. Criteria: Invitae Variant Classification Sherloc (09022015). Collection method: clinical testing. Allele origin: germline.
Comment: Algorithms developed to predict the effect of missense changes on protein structure and function are either unavailable or do not agree on the potential impact of this missense change (SIFT: "Deleterious"; PolyPhen-2: "Probably Damaging"; Align-GVGD: "Class C0"). This variant has not been reported in the literature in individuals affected with ZNF407-related conditions. This variant is present in population databases (rs759772970, gnomAD 0.01%). This sequence change replaces leucine, which is neutral and non-polar, with methionine, which is neutral and non-polar, at codon 2151 of the ZNF407 protein (p.Leu2151Met). In summary, the available evidence is currently insufficient to determine the role of this variant in disease. Therefore, it has been classified as a Variant of Uncertain Significance.